The following is an entry in ClinVar:

NM_014141.6(CNTNAP2):c.3942C>T (p.Asn1314=)

Gene: CNTNAP2 (contactin associated protein 2; plus strand). Cytogenetic location: 7q36.1.
Variant type: single nucleotide variant.
Coding change: c.3942C>T on transcript NM_014141.6 (MANE Select); coding-DNA position 3942, C replaced by T.
Protein change: p.Asn1314=; no amino-acid change (asparagine 1314 retained).
Molecular consequence: synonymous variant.
Genome position (GRCh38, 1-based): chr7:148,415,562, C>T. VCF-style: chr7-148415562-C-T. GRCh37 (hg19) VCF-style: chr7-148112654-C-T.
Identifiers: ClinVar variation 382197 (VCV000382197.28), dbSNP rs757442166, ClinGen allele CA4546851.

ClinVar aggregate classification (germline): Likely benign. Review status: criteria provided, multiple submitters, no conflicts (2 of 4 stars). 4 submissions from 4 submitters: Likely benign (4). Last evaluated 2025-01-19.

Conditions:
Cortical dysplasia-focal epilepsy syndrome (PTHSL1). Also called: Pitt-Hopkins-like syndrome 1. Identifiers: Orphanet 163681, Orphanet 221150, MedGen C2750246, MONDO:0012400, OMIM 610042.

Allele frequency attached by ClinVar (database versions not stated): ExAC 0.00001; gnomAD exomes 0.00001; gnomAD 0.00003; TOPMed below 0.00001.
gnomAD v4.1: 18 of 1,614,206 alleles (0.0011%); highest among the groups gnomAD compares: Admixed American, 0.0017%; no homozygotes.

Submissions (4):

Labcorp Genetics (formerly Invitae), Labcorp
Classification: Likely benign for Cortical dysplasia-focal epilepsy syndrome. Last evaluated: 2025-01-19. Review status: criteria provided, single submitter. Criteria: Invitae Variant Classification Sherloc (09022015). Collection method: clinical testing. Allele origin: germline.

CeGaT Center for Human Genetics Tuebingen
Classification: Likely benign. Last evaluated: 2024-10-01. Review status: criteria provided, single submitter. Criteria: CeGaT Center For Human Genetics Tuebingen Variant Classification Criteria Version 2. Collection method: clinical testing. Allele origin: germline. Affected: yes. Observed: 1 variant allele.
Comment: CNTNAP2: BP4, BP7

Blueprint Genetics
Classification: Likely benign. Last evaluated: 2023-04-11. Review status: criteria provided, single submitter. Criteria: ACMG Guidelines, 2015. Collection method: clinical testing. Allele origin: germline.

GeneDx
Classification: Likely benign. Last evaluated: 2019-08-21. Review status: criteria provided, single submitter. Criteria: GeneDx Variant Classification Process June 2021. Collection method: clinical testing. Allele origin: germline. Affected: yes.